The following is an entry in ClinVar:

NM_022575.4(VPS16):c.55A>T (p.Lys19Ter)

Gene: VPS16 (VPS16 core subunit of CORVET and HOPS complexes; plus strand). Cytogenetic location: 20p13.
Variant type: single nucleotide variant.
Coding change: c.55A>T on transcript NM_022575.4 (MANE Select); coding-DNA position 55, A replaced by T.
Protein change: p.Lys19Ter; replaces lysine 19 with a stop codon.
Molecular consequence: nonsense.
Genome position (GRCh38, 1-based): chr20:2,859,720, A>T. VCF-style: chr20-2859720-A-T. GRCh37 (hg19) VCF-style: chr20-2840366-A-T.
Other names: c.55A>T, p.Lys19Ter (NM_080413.3); short protein forms K19*.
Identifiers: ClinVar variation 4538927 (VCV004538927.2).
Genomic context (GRCh38, chr20:2,859,720, plus strand): 5'-TTCACTCCATACGGATGCAGGGTAATGAGGCTAATTTCTGCTCATCTCTGTGTGGGCAGG[A>T]AATATGAGCTGTACAGCATGGACTGGGACCTGAAGGAGGAACTCAGGGATTGCCTGGTGG-3'

ClinVar aggregate classification (germline): Conflicting classifications of pathogenicity. Review status: criteria provided, conflicting classifications (1 of 4 stars). 2 submissions from 2 submitters: Pathogenic (1); Uncertain significance (1). Last evaluated 2025-06-18.

Submissions (2):

GeneDx
Classification: Uncertain significance. Last evaluated: 2025-06-18. Review status: criteria provided, single submitter. Criteria: GeneDx Variant Classification Process June 2021. Collection method: clinical testing. Allele origin: germline. Affected: yes.
Comment: Not observed at significant frequency in large population cohorts (gnomAD); Nonsense variant predicted to result in protein truncation or nonsense mediated decay in a gene or region of a gene for which loss of function is not a well-established mechanism of disease; Has not been previously published as pathogenic or benign to our knowledge

Labcorp Genetics (formerly Invitae), Labcorp
Classification: Pathogenic. Last evaluated: 2025-04-26. Review status: criteria provided, single submitter. Criteria: Invitae Variant Classification Sherloc (09022015). Collection method: clinical testing. Allele origin: germline.
Comment: This sequence change creates a premature translational stop signal (p.Lys19*) in the VPS16 gene. It is expected to result in an absent or disrupted protein product. Loss-of-function variants in VPS16 are known to be pathogenic (PMID: 32808683). This variant is not present in population databases (gnomAD no frequency). This variant has not been reported in the literature in individuals affected with VPS16-related conditions. For these reasons, this variant has been classified as Pathogenic.

Literature cited by the submitters: PubMed 32808683 (cited by Labcorp Genetics (formerly Invitae), Labcorp).